The following is an entry in ClinVar:

ClinVar aggregate classification (germline): Conflicting classifications of pathogenicity. Review status: criteria provided, conflicting classifications (1 of 4 stars). 3 submissions from 3 submitters: Uncertain significance (1); Likely benign (2). Last evaluated 2023-06-14.

Conditions:
Hereditary cancer-predisposing syndrome. Also called: Neoplastic Syndromes, Hereditary; Tumor predisposition; Hereditary Cancer Syndrome; Hereditary neoplastic syndrome. Identifiers: Orphanet 140162, MedGen C0027672, MeSH D009386, MONDO:0015356.
Rhabdoid tumor predisposition syndrome 2 (RTPS2). Identifiers: Orphanet 231108, Orphanet 69077, MedGen C2750074, MONDO:0013224, OMIM 613325.

Allele frequency attached by ClinVar (database versions not stated): gnomAD exomes below 0.00001.
gnomAD v4.1: 1 of 1,613,960 alleles (0.000062%); highest among the groups gnomAD compares: Non-Finnish European, 0.000085%; no homozygotes.

Submissions (3):

Labcorp Genetics (formerly Invitae), Labcorp
Classification: Likely benign for Rhabdoid tumor predisposition syndrome 2. Last evaluated: 2023-06-14. Review status: criteria provided, single submitter. Criteria: Invitae Variant Classification Sherloc (09022015). Collection method: clinical testing. Allele origin: germline.

Ambry Genetics
Classification: Likely benign for Hereditary cancer-predisposing syndrome. Last evaluated: 2022-09-11. Review status: criteria provided, single submitter. Criteria: Ambry Variant Classification Scheme 2023. Collection method: clinical testing. Allele origin: germline.

GeneDx
Classification: Uncertain significance. Last evaluated: 2022-08-02. Review status: criteria provided, single submitter. Criteria: GeneDx Variant Classification Process June 2021. Collection method: clinical testing. Allele origin: germline. Affected: yes.
Comment: Not observed at significant frequency in large population cohorts (gnomAD); In silico analysis supports that this variant does not alter splicing; Has not been previously published as pathogenic or benign to our knowledge

NM_003072.5(SMARCA4):c.414C>G (p.Gly138=)

Gene: SMARCA4 (SWI/SNF related BAF chromatin remodeling complex subunit ATPase 4; plus strand). Cytogenetic location: 19p13.2.
Variant type: single nucleotide variant.
Coding change: c.414C>G on transcript NM_003072.5 (MANE Select); coding-DNA position 414, C replaced by G.
Protein change: p.Gly138=; no amino-acid change (glycine 138 retained).
Molecular consequence: synonymous variant. On other transcripts: non-coding transcript variant (1).
Genome position (GRCh38, 1-based): chr19:10,986,247, C>G. VCF-style: chr19-10986247-C-G. GRCh37 (hg19) VCF-style: chr19-11096923-C-G.
Other names: c.414C>G, p.Gly138= (NM_001128844.3, NM_001128845.2, NM_001128846.2 and 6 more transcripts).
Identifiers: ClinVar variation 1738233 (VCV001738233.9), dbSNP rs1568421853, ClinGen allele CA505488631.
Genomic context (GRCh38, chr19:10,986,247, plus strand): 5'-AGGTTACCCCTCGCCCCTGGGTGGCTCTGAGCATGCCTCTAGTCCAGTTCCAGCCAGTGG[C>G]CCGTCTTCGGGGCCCCAGATGTCTTCCGGGCCAGGAGGTGCCCCGCTGGATGGTGCTGAC-3'
Protein context (NP_003063.2, residues 128-148): EHASSPVPAS[Gly138=]PSSGPQMSSG